The following is an entry in ClinVar:

ClinVar aggregate classification (germline): Uncertain significance. Review status: criteria provided, multiple submitters, no conflicts (2 of 4 stars). 3 submissions from 3 submitters: Uncertain significance (3). Last evaluated 2024-06-19.

Conditions:
Inborn genetic diseases. Identifiers: MedGen C0950123, MeSH D030342.
Charcot-Marie-Tooth Neuropathy X. Identifiers: MedGen CN118851.

Allele frequency attached by ClinVar (database versions not stated): TOPMed below 0.00001; gnomAD 0.00001.
gnomAD v4.1: 3 of 1,198,462 alleles (0.00025%); highest among the groups gnomAD compares: Non-Finnish European, 0.00034%; no homozygotes.

Submissions (3):

Women's Health and Genetics/Laboratory Corporation of America, LabCorp
Classification: Uncertain significance. Last evaluated: 2024-06-19. Review status: criteria provided, single submitter. Criteria: LabCorp Variant Classification Summary - May 2015. Collection method: clinical testing. Allele origin: germline.

Ambry Genetics
Classification: Uncertain significance for Inborn genetic diseases. Last evaluated: 2023-08-22. Review status: criteria provided, single submitter. Criteria: Ambry Variant Classification Scheme 2023. Collection method: clinical testing. Allele origin: germline.

Labcorp Genetics (formerly Invitae), Labcorp
Classification: Uncertain significance for Charcot-Marie-Tooth Neuropathy X. Last evaluated: 2021-12-18. Review status: criteria provided, single submitter. Criteria: Invitae Variant Classification Sherloc (09022015). Collection method: clinical testing. Allele origin: germline.
Comment: This sequence change replaces arginine, which is basic and polar, with histidine, which is basic and polar, at codon 264 of the GJB1 protein (p.Arg264His). This variant is not present in population databases (gnomAD no frequency). This variant has not been reported in the literature in individuals affected with GJB1-related conditions. Algorithms developed to predict the effect of missense changes on protein structure and function are either unavailable or do not agree on the potential impact of this missense change (SIFT: "Deleterious"; PolyPhen-2: "Benign"; Align-GVGD: "Class C0"). This variant disrupts the p.Arg264 amino acid residue in GJB1. Other variant(s) that disrupt this residue have been observed in individuals with GJB1-related conditions (PMID: 12402337, 18379723), which suggests that this may be a clinically significant amino acid residue. In summary, the available evidence is currently insufficient to determine the role of this variant in disease. Therefore, it has been classified as a Variant of Uncertain Significance.

Literature cited by the submitters: PubMed 12402337 (cited by Labcorp Genetics (formerly Invitae), Labcorp); PubMed 18379723 (cited by Labcorp Genetics (formerly Invitae), Labcorp).

NM_000166.6(GJB1):c.791G>A (p.Arg264His)

Gene: GJB1 (gap junction protein beta 1; plus strand). Cytogenetic location: Xq13.1.
Variant type: single nucleotide variant.
Coding change: c.791G>A on transcript NM_000166.6 (MANE Select); coding-DNA position 791, G replaced by A.
Protein change: p.Arg264His; replaces arginine 264 with histidine.
Molecular consequence: missense variant.
Genome position (GRCh38, 1-based): chrX:71,224,498, G>A. VCF-style: chrX-71224498-G-A. GRCh37 (hg19) VCF-style: chrX-70444348-G-A.
Other names: c.791G>A, p.Arg264His (NM_001097642.3); c.791G>A (NM_000166.5); short protein forms R264H.
Identifiers: ClinVar variation 2156422 (VCV002156422.4), dbSNP rs763991026, ClinGen allele CA413504142.
Genomic context (GRCh38, chrX:71,224,498, plus strand): 5'-AGCAGAATGAGATCAACAAGCTGCTGAGTGAGCAGGATGGCTCCCTGAAAGACATACTGC[G>A]CCGCAGCCCTGGCACCGGGGCTGGGCTGGCTGAAAAGAGCGACCGCTGCTCGGCCTGCTG-3'
Protein context (NP_000157.1, residues 254-274): EQDGSLKDIL[Arg264His]RSPGTGAGLA